The following is an entry in ClinVar:

NM_020884.7(MYH7B):c.3443G>A (p.Arg1148Gln)

Gene: MYH7B (myosin heavy chain 7B; plus strand). Cytogenetic location: 20q11.22.
Variant type: single nucleotide variant.
Coding change: c.3443G>A on transcript NM_020884.7 (MANE Select); coding-DNA position 3443, G replaced by A.
Protein change: p.Arg1148Gln; replaces arginine 1148 with glutamine.
Molecular consequence: missense variant.
Genome position (GRCh38, 1-based): chr20:34,997,336, G>A. VCF-style: chr20-34997336-G-A. GRCh37 (hg19) VCF-style: chr20-33585139-G-A.
Other names: short protein forms R1148Q.
Identifiers: ClinVar variation 1968498 (VCV001968498.5), dbSNP rs780851152, ClinGen allele CA9827734.

ClinVar aggregate classification (germline): Uncertain significance (1 of 4 stars; one submission).

Allele frequency attached by ClinVar (database versions not stated): TOPMed below 0.00001; gnomAD 0.00001; ExAC 0.00007.
gnomAD v4.1: 13 of 1,544,220 alleles (0.00084%); highest among the groups gnomAD compares: African/African-American, 0.0027%; no homozygotes.

Submission:

Labcorp Genetics (formerly Invitae), Labcorp
Classification: Uncertain significance. Last evaluated: 2024-10-22. Review status: criteria provided, single submitter. Criteria: Invitae Variant Classification Sherloc (09022015). Collection method: clinical testing. Allele origin: germline.
Comment: This sequence change replaces arginine, which is basic and polar, with glutamine, which is neutral and polar, at codon 1190 of the MYH7B protein (p.Arg1190Gln). The frequency data for this variant in the population databases is considered unreliable, as metrics indicate poor data quality at this position in the gnomAD database. This variant has not been reported in the literature in individuals affected with MYH7B-related conditions. ClinVar contains an entry for this variant (Variation ID: 1968498). Invitae Evidence Modeling of protein sequence and biophysical properties (such as structural, functional, and spatial information, amino acid conservation, physicochemical variation, residue mobility, and thermodynamic stability) indicates that this missense variant is not expected to disrupt MYH7B protein function with a negative predictive value of 80%. In summary, the available evidence is currently insufficient to determine the role of this variant in disease. Therefore, it has been classified as a Variant of Uncertain Significance.